The following is an entry in ClinVar:

ClinVar aggregate classification (germline): Pathogenic. Review status: criteria provided, multiple submitters, no conflicts (2 of 4 stars). 2 submissions from 2 submitters: Pathogenic (2). Last evaluated 2020-03-10.

Conditions:
Townes syndrome (TBS). Also called: Townes-Brocks syndrome. Identifiers: Orphanet 857, MedGen C0265246, MeSH C536974, MONDO:0007142.

Submissions (2):

Labcorp Genetics (formerly Invitae), Labcorp
Classification: Pathogenic for Townes syndrome. Last evaluated: 2020-03-10. Review status: criteria provided, single submitter. Criteria: Invitae Variant Classification Sherloc (09022015). Collection method: clinical testing. Allele origin: germline.
Comment: For these reasons, this variant has been classified as Pathogenic. This variant is expected to result in a truncated protein lacking all double zinc finger (DZF) domains which are critical for SALL1 protein function (PMID: 16088922, 9973281) This variant has not been reported in the literature in individuals with SALL1-related conditions. ClinVar contains an entry for this variant (Variation ID: 279887). This variant is not present in population databases (ExAC no frequency). This sequence change results in a premature translational stop signal in the SALL1 gene (p.Gln291Leufs*24). While this is not anticipated to result in nonsense mediated decay, it is expected to disrupt the last 1034 amino acids of the SALL1 protein.

GeneDx
Classification: Pathogenic. Last evaluated: 2016-05-10. Review status: criteria provided, single submitter. Criteria: GeneDx Variant Classification (06012015). Collection method: clinical testing. Allele origin: germline. Affected: yes.
Comment: The c.870_871dupTC pathogenic variant in the SALL1 gene causes a frameshift starting with codon Glutamine 291, changes this amino acid to a Leucine residue and creates a premature Stop codon at position 24 of the new reading frame, denoted p.Gln291LeufsX24. This pathogenic variant is predicted to cause loss of normal protein function either through protein truncation or nonsense-mediated mRNA decay. The c.870_871dupTC variant was not observed in approximately 6,500 individuals of European and African American ancestry in the NHLBI Exome Sequencing Project, indicating it is not a common benign variant in these populations.

Literature cited by the submitters: PubMed 16088922 (cited by Labcorp Genetics (formerly Invitae), Labcorp); PubMed 9973281 (cited by Labcorp Genetics (formerly Invitae), Labcorp).

NM_002968.3(SALL1):c.870_871dup (p.Gln291fs)

Gene: SALL1 (spalt like transcription factor 1; minus strand). Cytogenetic location: 16q12.1.
Variant type: Microsatellite.
Coding change: c.870_871dup on transcript NM_002968.3 (MANE Select); coding-DNA positions 870 to 871, 2 bases duplicated (TC; older notation c.870_871dupTC).
Protein change: p.Gln291fs; shifts the reading frame from glutamine 291.
Molecular consequence: frameshift variant.
Genome position (GRCh38, 1-based): chr16:51,141,351-51,141,352, GA duplicated on the plus strand (TC on the coding strand, the reverse complement: SALL1 is on the minus strand); duplicating any 2 consecutive bases within chr16:51,141,351-51,141,354 gives the same sequence; the c. name uses the placement nearest the transcript's 3' end. VCF-style (leftmost placement, unchanged base first): chr16-51141350-T-TGA. GRCh37 (hg19) VCF-style: chr16-51175261-T-TGA.
Other names: c.579_580dup, p.Gln194fs (NM_001127892.2); c.870_871dupTC (NM_002968.2); short protein forms Q291fs, Q194fs.
Identifiers: ClinVar variation 279887 (VCV000279887.10), dbSNP rs886041236, ClinGen allele CA10603327.